The following is an entry in ClinVar:

ClinVar aggregate classification (germline): Pathogenic. Review status: criteria provided, multiple submitters, no conflicts (2 of 4 stars). 2 submissions from 2 submitters: Pathogenic (2). Last evaluated 2023-11-15.

Conditions:
Osteogenesis imperfecta type I (OI1). Also called: OI, TYPE I; OSTEOGENESIS IMPERFECTA TARDA; OSTEOGENESIS IMPERFECTA WITH BLUE SCLERAE; Osteogenesis imperfecta type 1; Lobstein disease; Lobstein's Disease. Identifiers: Orphanet 216796, Orphanet 666, MedGen C0023931, MONDO:0008146, OMIM 166200. Disease mechanism: loss of function.

Submissions (2):

Labcorp Genetics (formerly Invitae), Labcorp
Classification: Pathogenic for Osteogenesis imperfecta type I. Last evaluated: 2023-11-15. Review status: criteria provided, single submitter. Criteria: Invitae Variant Classification Sherloc (09022015). Collection method: clinical testing. Allele origin: germline.
Comment: This sequence change affects an acceptor splice site in intron 35 of the COL1A1 gene. It is expected to disrupt RNA splicing. Variants that disrupt the donor or acceptor splice site typically lead to a loss of protein function (PMID: 16199547), and loss-of-function variants in COL1A1 are known to be pathogenic (PMID: 7942841, 9295084, 9443882). This variant is not present in population databases (gnomAD no frequency). Disruption of this splice site has been observed in individuals with osteogenesis imperfecta (PMID: 15241796; Invitae). ClinVar contains an entry for this variant (Variation ID: 860827). Algorithms developed to predict the effect of sequence changes on RNA splicing suggest that this variant may disrupt the consensus splice site. For these reasons, this variant has been classified as Pathogenic.

GeneDx
Classification: Pathogenic. Last evaluated: 2023-03-02. Review status: criteria provided, single submitter. Criteria: GeneDx Variant Classification Process June 2021. Collection method: clinical testing. Allele origin: germline. Affected: yes.
Comment: Canonical splice site variant predicted to result in a null allele in a gene for which loss of function is a known mechanism of disease; Not observed at significant frequency in large population cohorts (gnomAD); This variant is associated with the following publications: (PMID: 25525159, 15241796, 25963598)

Literature cited by the submitters: PubMed 16199547 (cited by Labcorp Genetics (formerly Invitae), Labcorp); PubMed 7942841 (cited by Labcorp Genetics (formerly Invitae), Labcorp); PubMed 9295084 (cited by Labcorp Genetics (formerly Invitae), Labcorp); PubMed 9443882 (cited by Labcorp Genetics (formerly Invitae), Labcorp); PubMed 15241796 (cited by Labcorp Genetics (formerly Invitae), Labcorp).

NM_000088.4(COL1A1):c.2452-1G>A

Gene: COL1A1 (collagen type I alpha 1 chain; minus strand). Cytogenetic location: 17q21.33.
Variant type: single nucleotide variant.
Coding change: c.2452-1G>A on transcript NM_000088.4 (MANE Select); the canonical splice acceptor site of the intron before coding-DNA position 2452, G replaced by A.
Molecular consequence: splice acceptor variant.
Genome position (GRCh38, 1-based): chr17:50,190,109, C>T on the plus strand (G>A on the coding strand, the complement: COL1A1 is on the minus strand). VCF-style: chr17-50190109-C-T. GRCh37 (hg19) VCF-style: chr17-48267470-C-T.
Identifiers: ClinVar variation 860827 (VCV000860827.5), dbSNP rs72651667, ClinGen allele CA291543313.